The following is an entry in ClinVar:

ClinVar aggregate classification (germline): Uncertain significance. Review status: criteria provided, multiple submitters, no conflicts (2 of 4 stars). 2 submissions from 2 submitters: Uncertain significance (2). Last evaluated 2023-10-04.

Conditions:
Hereditary cancer-predisposing syndrome. Also called: Hereditary Cancer Syndrome; Neoplastic Syndromes, Hereditary; Tumor predisposition; Hereditary neoplastic syndrome. Identifiers: Orphanet 140162, MedGen C0027672, MeSH D009386, MONDO:0015356.
Ataxia-telangiectasia syndrome (AT). Also called: Cerebello-oculocutaneous telangiectasia; Immunodeficiency with ataxia telangiectasia; Ataxia-telangiectasia, complementation group E; Ataxia-telangiectasia, complementation group D; AT, COMPLEMENTATION GROUP C; ATAXIA-TELANGIECTASIA, COMPLEMENTATION GROUP A. Identifiers: Orphanet 100, MedGen C0004135, MONDO:0008840, OMIM 208900.

Submissions (2):

Labcorp Genetics (formerly Invitae), Labcorp
Classification: Uncertain significance for Ataxia-telangiectasia syndrome. Last evaluated: 2023-10-04. Review status: criteria provided, single submitter. Criteria: Invitae Variant Classification Sherloc (09022015). Collection method: clinical testing. Allele origin: germline.
Comment: This sequence change replaces glycine, which is neutral and non-polar, with alanine, which is neutral and non-polar, at codon 2869 of the ATM protein (p.Gly2869Ala). This variant is not present in population databases (gnomAD no frequency). This variant has not been reported in the literature in individuals affected with ATM-related conditions. ClinVar contains an entry for this variant (Variation ID: 573869). An algorithm developed to predict the effect of missense changes on protein structure and function (PolyPhen-2) suggests that this variant is likely to be disruptive. In summary, the available evidence is currently insufficient to determine the role of this variant in disease. Therefore, it has been classified as a Variant of Uncertain Significance.

Ambry Genetics
Classification: Uncertain significance for Hereditary cancer-predisposing syndrome. Last evaluated: 2022-01-27. Review status: criteria provided, single submitter. Criteria: Ambry Variant Classification Scheme 2023. Collection method: clinical testing. Allele origin: germline.
Comment: The p.G2869A variant (also known as c.8606G>C), located in coding exon 58 of the ATM gene, results from a G to C substitution at nucleotide position 8606. The glycine at codon 2869 is replaced by alanine, an amino acid with similar properties. This amino acid position is conserved. In addition, this alteration is predicted to be deleterious by in silico analysis. Since supporting evidence is limited at this time, the clinical significance of this alteration remains unclear.

NM_000051.4(ATM):c.8606G>C (p.Gly2869Ala)

Genes: ATM (ATM serine/threonine kinase; plus strand), C11orf65 (chromosome 11 open reading frame 65; minus strand). Cytogenetic location: 11q22.3.
Variant type: single nucleotide variant.
Coding change: c.8606G>C on transcript NM_000051.4 (MANE Select); coding-DNA position 8606, G replaced by C.
Protein change: p.Gly2869Ala; replaces glycine 2869 with alanine.
Molecular consequence: missense variant. On other transcripts: intron variant (2).
Genome position (GRCh38, 1-based): chr11:108,347,300, G>C. VCF-style: chr11-108347300-G-C. GRCh37 (hg19) VCF-style: chr11-108218027-G-C.
Other names: c.8606G>C, p.Gly2869Ala (NM_001351834.2); c.641-38229C>G (NM_001330368.2); c.695-12008C>G (NM_001351110.2); short protein forms G2869A.
Identifiers: ClinVar variation 573869 (VCV000573869.11), dbSNP rs1555139531, ClinGen allele CA382520528.